The following is an entry in ClinVar:

ClinVar aggregate classification (germline): Benign. Review status: criteria provided, multiple submitters, no conflicts (2 of 4 stars). 9 submissions from 9 submitters: Benign (8). 1 of the submissions does not count toward it. Last evaluated 2026-02-03.

Conditions:
Inborn genetic diseases. Identifiers: MedGen C0950123, MeSH D030342.
Deafness-lymphedema-leukemia syndrome. Also called: Lymphedema, primary, with myelodysplasia; Emberger syndrome. Identifiers: Orphanet 3226, MedGen C3279664, MONDO:0013540, OMIM 614038.
Monocytopenia with susceptibility to infections. Also called: Dendritic cell, monocyte, B lymphocyte, and natural killer lymphocyte deficiency; MONOCYTOPENIA AND MYCOBACTERIAL INFECTION SYNDROME; MONOCYTOPENIA WITH SUSCEPTIBILITY TO MYCOBACTERIAL, FUNGAL, AND PAPILLOMAVIRUS INFECTIONS AND MYELODYSPLASIA; COMBINED IMMUNODEFICIENCY WITH SUSCEPTIBILITY TO MYCOBACTERIAL, VIRAL, AND FUNGAL INFECTIONS; IMMUNODEFICIENCY 21; GATA2 DEFICIENCY. Identifiers: Orphanet 228423, MedGen C3280030, MONDO:0013607, OMIM 614172.

Allele frequency attached by ClinVar (database versions not stated): TOPMed 0.00405; 1000 Genomes Project 30x 0.01077; 1000 Genomes Project 0.01178; gnomAD 0.00309.

Submissions (9):

Labcorp Genetics (formerly Invitae), Labcorp
Classification: Benign for Monocytopenia with susceptibility to infections; Deafness-lymphedema-leukemia syndrome. Last evaluated: 2026-02-03. Review status: criteria provided, single submitter. Criteria: Invitae Variant Classification Sherloc (09022015). Collection method: clinical testing. Allele origin: germline.

Dasa
Classification: Benign. Last evaluated: 2025-11-03. Review status: criteria provided, single submitter. Criteria: DASA Assertion Criteria. Collection method: clinical testing. Allele origin: germline.
Comment: NM_032638.5(GATA2):c.748C>G (p.Pro250Ala) is a missense variant that results in the substitution of proline with alanine. Population frequency is inconsistent with a disease-causing role for this variant, and observations in unaffected individuals support a benign interpretation. Therefore, based on the currently available evidence, this variant is classified as benign.

ARUP Laboratories, Molecular Genetics and Genomics, ARUP Laboratories
Classification: Benign. Last evaluated: 2024-11-15. Review status: criteria provided, single submitter. Criteria: ARUP Molecular Germline Variant Investigation Process 2024. Collection method: clinical testing. Allele origin: germline.

Ambry Genetics
Classification: Benign for Inborn genetic diseases. Last evaluated: 2024-07-08. Review status: criteria provided, single submitter. Criteria: Ambry Variant Classification Scheme 2023. Collection method: clinical testing. Allele origin: germline.

Mayo Clinic Laboratories, Mayo Clinic
Classification: Benign. Last evaluated: 2024-06-27. Review status: criteria provided, single submitter. Criteria: ACMG Guidelines, 2015. Collection method: clinical testing. Allele origin: germline. Observed: 16 variant alleles.

GeneDx
Classification: Benign. Last evaluated: 2019-02-16. Review status: criteria provided, single submitter. Criteria: GeneDx Variant Classification Process June 2021. Collection method: clinical testing. Allele origin: germline. Affected: yes.

Illumina Laboratory Services, Illumina
Classification: Benign for Deafness-lymphedema-leukemia syndrome. Last evaluated: 2018-01-12. Review status: criteria provided, single submitter. Criteria: ICSL Variant Classification Criteria 13 December 2019. Collection method: clinical testing. Allele origin: germline.
Comment: This variant was observed in the ICSL laboratory as part of a predisposition screen in an ostensibly healthy population. It had not been previously curated by ICSL or reported in the Human Gene Mutation Database (HGMD: prior to June 1st, 2018), and was therefore a candidate for classification through an automated scoring system. Utilizing variant allele frequency, disease prevalence and penetrance estimates, and inheritance mode, an automated score was calculated to assess if this variant is too frequent to cause the disease. Based on the score and internal cut-off values, a variant classified as benign is not then subjected to further curation. The score for this variant resulted in a classification of benign for this disease.

PreventionGenetics, part of Exact Sciences
Classification: Benign. Last evaluated: 2017-08-23. Review status: criteria provided, single submitter. Criteria: ACMG Guidelines, 2015. Collection method: clinical testing. Allele origin: germline.

ITMI
No classification provided. Condition: AllHighlyPenetrant. Last evaluated: 2013-09-19. Review status: no classification provided. Collection method: reference population. Allele origin: germline. Not counted in ClinVar's aggregate classification.
Comment: Please see associated publication for description of ethnicities

Literature cited by the submitters: PubMed 24728327 (cited by ITMI).

NM_032638.5(GATA2):c.748C>G (p.Pro250Ala)

Gene: GATA2 (GATA binding protein 2; minus strand). Cytogenetic location: 3q21.3.
Variant type: single nucleotide variant.
Coding change: c.748C>G on transcript NM_032638.5 (MANE Select); coding-DNA position 748, C replaced by G.
Protein change: p.Pro250Ala; replaces proline 250 with alanine.
Molecular consequence: missense variant.
Genome position (GRCh38, 1-based): chr3:128,485,850, G>C on the plus strand (C>G on the coding strand, the complement: GATA2 is on the minus strand). VCF-style: chr3-128485850-G-C. GRCh37 (hg19) VCF-style: chr3-128204693-G-C.
Other names: p.Pro250Ala; c.748C>G, p.Pro250Ala (NM_001145661.2, NM_001145662.1); short protein forms P250A.
Identifiers: ClinVar variation 134466 (VCV000134466.24), dbSNP rs78245253, ClinGen allele CA159899.
Genomic context (GRCh38, chr3:128,485,850, plus strand): 5'-AGCCTCCGGGGTGGAAGAGTCCGCTGCTGTAGTCGTGGGCAGCCGCCGGCACATAGGAGG[G>C]GTAGGTGGGGATGGGGTGGTGTGTAGCAGGCTGGGTGCCCATAGTAGCTAGGCCTGGGCG-3'
Protein context (NP_116027.2, residues 240-260): PATHHPIPTY[Pro250Ala]SYVPAAAHDY